The following is an entry in ClinVar:

ClinVar aggregate classification (germline): Likely benign. Review status: criteria provided, multiple submitters, no conflicts (2 of 4 stars). 2 submissions from 2 submitters: Likely benign (2). Last evaluated 2025-05-08.

Conditions:
MAP3K8-related disorder. Also called: MAP3K8-related condition.

gnomAD v4.1: 3 of 1,613,930 alleles (0.00019%); highest among the groups gnomAD compares: South Asian, 0.0033%; no homozygotes.

Submissions (2):

PreventionGenetics, part of Exact Sciences
Classification: Likely benign for MAP3K8-related condition. Last evaluated: 2025-05-08. Review status: criteria provided, single submitter. Criteria: ACMG Guidelines, 2015. Collection method: clinical testing. Allele origin: germline.
Comment: This variant is classified as likely benign based on ACMG/AMP sequence variant interpretation guidelines (Richards et al. 2015 PMID: 25741868, with internal and published modifications).

Labcorp Genetics (formerly Invitae), Labcorp
Classification: Likely benign. Last evaluated: 2025-04-24. Review status: criteria provided, single submitter. Criteria: Invitae Variant Classification Sherloc (09022015). Collection method: clinical testing. Allele origin: germline.

NM_005204.4(MAP3K8):c.378T>C (p.Asp126=)

Gene: MAP3K8 (mitogen-activated protein kinase kinase kinase 8; plus strand). Cytogenetic location: 10p11.23.
Variant type: single nucleotide variant.
Coding change: c.378T>C on transcript NM_005204.4 (MANE Select); coding-DNA position 378, T replaced by C.
Protein change: p.Asp126=; no amino-acid change (aspartic acid 126 retained).
Molecular consequence: synonymous variant.
Genome position (GRCh38, 1-based): chr10:30,447,823, T>C. VCF-style: chr10-30447823-T-C. GRCh37 (hg19) VCF-style: chr10-30736752-T-C.
Other names: c.378T>C, p.Asp126= (NM_001244134.1, NM_001320961.2); c.378T>C (NM_005204.3).
Identifiers: ClinVar variation 4761333 (VCV004761333.2).